The following is an entry in ClinVar:

NM_000428.3(LTBP2):c.1405G>A (p.Val469Met)

Gene: LTBP2 (latent transforming growth factor beta binding protein 2; minus strand). Cytogenetic location: 14q24.3.
Variant type: single nucleotide variant.
Coding change: c.1405G>A on transcript NM_000428.3 (MANE Select); coding-DNA position 1405, G replaced by A.
Protein change: p.Val469Met; replaces valine 469 with methionine.
Molecular consequence: missense variant.
Genome position (GRCh38, 1-based): chr14:74,551,345, C>T on the plus strand (G>A on the coding strand, the complement: LTBP2 is on the minus strand). VCF-style: chr14-74551345-C-T. GRCh37 (hg19) VCF-style: chr14-75018048-C-T.
Other names: c.1405G>A (NM_000428.2); short protein forms V469M.
Identifiers: ClinVar variation 1419202 (VCV001419202.4), dbSNP rs61738026, ClinGen allele CA7269879.

ClinVar aggregate classification (germline): Uncertain significance. Review status: criteria provided, multiple submitters, no conflicts (2 of 4 stars). 2 submissions from 2 submitters: Uncertain significance (2). Last evaluated 2022-10-24.

Conditions:
Inborn genetic diseases. Identifiers: MedGen C0950123, MeSH D030342.

Allele frequency attached by ClinVar (database versions not stated): gnomAD 0.00012 and 0.00013; TOPMed 0.00012; gnomAD exomes 0.00016; ExAC 0.00020.
gnomAD v4.1: 205 of 1,568,642 alleles (0.013%); highest among the groups gnomAD compares: South Asian, 0.013%; no homozygotes.

Submissions (2):

Labcorp Genetics (formerly Invitae), Labcorp
Classification: Uncertain significance. Last evaluated: 2022-10-24. Review status: criteria provided, single submitter. Criteria: Invitae Variant Classification Sherloc (09022015). Collection method: clinical testing. Allele origin: germline.
Comment: This sequence change replaces valine, which is neutral and non-polar, with methionine, which is neutral and non-polar, at codon 469 of the LTBP2 protein (p.Val469Met). This variant is present in population databases (rs61738026, gnomAD 0.1%). This variant has not been reported in the literature in individuals affected with LTBP2-related conditions. ClinVar contains an entry for this variant (Variation ID: 1419202). Algorithms developed to predict the effect of missense changes on protein structure and function are either unavailable or do not agree on the potential impact of this missense change (SIFT: "Deleterious"; PolyPhen-2: "Benign"; Align-GVGD: "Class C15"). In summary, the available evidence is currently insufficient to determine the role of this variant in disease. Therefore, it has been classified as a Variant of Uncertain Significance.

Ambry Genetics
Classification: Uncertain significance for Inborn genetic diseases. Last evaluated: 2021-07-13. Review status: criteria provided, single submitter. Criteria: Ambry Variant Classification Scheme 2023. Collection method: clinical testing. Allele origin: germline.